The following is an entry in ClinVar:

Single allele

Gene: ZNF716 (zinc finger protein 716; plus strand). Cytogenetic location: 7p11.2.
Variant type: Duplication.
Identifiers: ClinVar variation 157054 (VCV000157054.2).

ClinVar aggregate classification (germline): not provided (0 of 4 stars; one submission).

Conditions:
Preeclampsia. Identifiers: Orphanet 275555, MedGen C0032914, MONDO:0005081, HP:0100602.

Submission:

Institute of Molecular and Cell Biology, University of Tartu
No classification provided. Condition: Preeclampsia. Review status: no classification provided. Collection method: case-control. Allele origin: unknown. Affected: yes. Study: Kasak2014.
Comment: The study aimed to determine the contribution of copy number variants in the genetic etiology of normal and complicated pregnancies. The samples represented (i) maternal blood DNA drawn from healthy pregnant women during 1st or 2nd trimester and (ii) maternal and paternal blood DNA drawn at term pregnancy cases representing normal and complicated gestations (severe preeclampsia, PE; gestational diabetes, GD; small-for-gestational age newborn, SGA; large-for-gestational age newborn, LGA). We performed CNV calling based on genome-wide genotyping dataset (Illumina HumanOmniExpress-24-v1 BeadChip) by applying three algorithms, QuantiSNP, GADA (Genome Alteration Detection Algorithm) and CNstream in parallel. The acquired CNV calls were merged with HD-CNV (Hotspot Detector for Copy Number Variants) program and only the CNVs predicted by at least two programs, were considered in subsequent analysis.

Literature cited by the submitters: PubMed 25666259.